The following is an entry in ClinVar:

NM_001109809.5(ZFP57):c.1472C>G (p.Thr491Ser)

Gene: ZFP57 (ZFP57 zinc finger protein; minus strand). Cytogenetic location: 6p22.1.
Variant type: single nucleotide variant.
Coding change: c.1472C>G on transcript NM_001109809.5 (MANE Select); coding-DNA position 1472, C replaced by G.
Protein change: p.Thr491Ser; replaces threonine 491 with serine.
Molecular consequence: missense variant.
Genome position (GRCh38, 1-based): chr6:29,672,639, G>C on the plus strand (C>G on the coding strand, the complement: ZFP57 is on the minus strand). VCF-style: chr6-29672639-G-C. GRCh37 (hg19) VCF-style: chr6-29640416-G-C.
Other names: c.1256C>G, p.Thr419Ser (NM_001366333.2); short protein forms T491S, T419S.
Identifiers: ClinVar variation 356211 (VCV000356211.43), dbSNP rs184974475, ClinGen allele CA3690679.

ClinVar aggregate classification (germline): Conflicting classifications of pathogenicity. Review status: criteria provided, conflicting classifications (1 of 4 stars). 8 submissions from 8 submitters: Uncertain significance (2); Likely benign (5). 1 of the submissions does not count toward it. Last evaluated 2026-01-14.

Conditions:
ZFP57-related disorder. Also called: ZFP57-related condition.
Monogenic diabetes. Identifiers: Orphanet 183625, MedGen C3888631, MONDO:0015967.
Diabetes mellitus, transient neonatal, 1 (TNDM1). Also called: Diabetes Mellitus, 6q24-Related Transient Neonatal. Identifiers: Orphanet 99886, MedGen C1832386, MONDO:0011073, OMIM 601410.
Inborn genetic diseases. Identifiers: MedGen C0950123, MeSH D030342.

Allele frequency attached by ClinVar (database versions not stated): 1000 Genomes Project 30x 0.00125; 1000 Genomes Project 0.00140; gnomAD 0.00159; ESP Exome Variant Server 0.00169; ExAC 0.00172; TOPMed 0.00190.
gnomAD v4.1: 2,169 of 1,611,308 alleles (0.13%); highest among the groups gnomAD compares: Middle Eastern, 1.2%; 13 homozygotes.

Submissions (12):

Labcorp Genetics (formerly Invitae), Labcorp
Classification: Likely benign. Last evaluated: 2026-01-14. Review status: criteria provided, single submitter. Criteria: Invitae Variant Classification Sherloc (09022015). Collection method: clinical testing. Allele origin: germline.

ARUP Laboratories, Molecular Genetics and Genomics, ARUP Laboratories
Classification: Likely benign for Diabetes mellitus, transient neonatal, 1. Last evaluated: 2024-12-04. Review status: criteria provided, single submitter. Criteria: ARUP Molecular Germline Variant Investigation Process 2024. Collection method: clinical testing. Allele origin: germline.

Blueprint Genetics
Classification: Likely benign. Last evaluated: 2024-11-07. Review status: criteria provided, single submitter. Criteria: ACMG Guidelines, 2015. Collection method: clinical testing. Allele origin: germline.

CeGaT Center for Human Genetics Tuebingen
Classification: Likely benign. Last evaluated: 2023-09-01. Review status: criteria provided, single submitter. Criteria: CeGaT Center For Human Genetics Tuebingen Variant Classification Criteria Version 2. Collection method: clinical testing. Allele origin: germline. Affected: yes. Observed: 1 variant allele.
Comment: ZFP57: BP4, BS2

Ambry Genetics
Classification: Uncertain significance for Inborn genetic diseases. Last evaluated: 2021-07-20. Review status: criteria provided, single submitter. Criteria: Ambry Variant Classification Scheme 2023. Collection method: clinical testing. Allele origin: germline.

Personalized Diabetes Medicine Program, University of Maryland School of Medicine
Classification: Uncertain significance for Monogenic diabetes. Last evaluated: 2019-02-01. Review status: criteria provided, single submitter. Criteria: ACMG Guidelines, 2015. Collection method: research. Allele origin: unknown. Observed: 4 variant alleles, 3 heterozygotes, 1 homozygote.
Comment: ACMG criteria: BP4 (Revel score 0.024 + 9 predictors)=VUS

Illumina Laboratory Services, Illumina
Classification: Likely benign for Diabetes mellitus, transient neonatal, 1. Last evaluated: 2018-01-12. Review status: criteria provided, single submitter. Criteria: ICSL Variant Classification Criteria 13 December 2019. Collection method: clinical testing. Allele origin: germline.
Comment: This variant was observed in the ICSL laboratory as part of a predisposition screen in an ostensibly healthy population. It had not been previously curated by ICSL or reported in the Human Gene Mutation Database (HGMD: prior to June 1st, 2018), and was therefore a candidate for classification through an automated scoring system. Utilizing variant allele frequency, disease prevalence and penetrance estimates, and inheritance mode, an automated score was calculated to assess if this variant is too frequent to cause the disease. Based on the score and internal cut-off values, a variant classified as likely benign is not then subjected to further curation. The score for this variant resulted in a classification of likely benign for this disease.

PreventionGenetics, part of Exact Sciences
Classification: Likely benign for ZFP57-related condition. Last evaluated: 2019-09-19. Review status: no assertion criteria provided. Collection method: clinical testing. Allele origin: germline. Not counted in ClinVar's aggregate classification.
Comment: This variant is classified as likely benign based on ACMG/AMP sequence variant interpretation guidelines (Richards et al. 2015 PMID: 25741868, with internal and published modifications).

Dr. Peter K. Rogan Lab, Western University
No classification provided (evidence only). Condition: Lung cancer. Review status: no classification provided. Collection method: in vitro. Allele origin: not applicable. Functional consequence: retained intron. Not counted in ClinVar's aggregate classification.

Dr. Peter K. Rogan Lab, Western University
No classification provided (evidence only). Condition: Thyroid cancer, nonmedullary, 1. Review status: no classification provided. Collection method: in vitro. Allele origin: not applicable. Functional consequence: retained intron. Not counted in ClinVar's aggregate classification.

Dr. Peter K. Rogan Lab, Western University
No classification provided (evidence only). Condition: Gastric cancer. Review status: no classification provided. Collection method: in vitro. Allele origin: not applicable. Functional consequence: retained intron. Not counted in ClinVar's aggregate classification.

Dr. Peter K. Rogan Lab, Western University
No classification provided (evidence only). Condition: Gastric cancer. Review status: no classification provided. Collection method: in vitro. Allele origin: not applicable. Functional consequence: retained intron. Not counted in ClinVar's aggregate classification.